The following is an entry in ClinVar:

ClinVar aggregate classification (germline): Pathogenic. Review status: criteria provided, multiple submitters, no conflicts (2 of 4 stars). 3 submissions from 3 submitters: Pathogenic (2). 1 of the submissions does not count toward it. Last evaluated 2026-01-08.

Conditions:
Ehlers-Danlos syndrome, type 4 (EDSVASC). Also called: Ehlers-Danlos syndrome vascular type; Ehlers Danlos syndrome, ecchymotic type; Ehlers Danlos syndrome, arterial type; Ehlers Danlos syndrome, Sack-Barabas type; Ehlers-Danlos Syndrome Type IV. Identifiers: Orphanet 286, MedGen C0268338, MONDO:0017314, OMIM 130050.

Submissions (3):

GeneDx
Classification: Pathogenic. Last evaluated: 2026-01-08. Review status: criteria provided, single submitter. Criteria: GeneDx Variant Classification Process June 2021. Collection method: clinical testing. Allele origin: germline.
Comment: Identified in patients with vascular Ehlers-Danlos syndrome (vEDS) in published literature (PMID: 25758994, 24922459, 36189931); Not observed at significant frequency in large population cohorts (gnomAD); Occurs in the triple helical domain and replaces the glycine in the canonical Gly-X-Y repeat; missense substitution of a canonical glycine residue is expected to disrupt normal protein folding and function, and this is an established mechanism of disease (HGMD); In silico analysis supports that this missense variant has a deleterious effect on protein structure/function; This variant is associated with the following publications: (PMID: 25758994, 24922459, 36189931)

Labcorp Genetics (formerly Invitae), Labcorp
Classification: Pathogenic for Ehlers-Danlos syndrome, type 4. Last evaluated: 2023-06-22. Review status: criteria provided, single submitter. Criteria: Invitae Variant Classification Sherloc (09022015). Collection method: clinical testing. Allele origin: germline.
Comment: This missense change has been observed in individual(s) with Ehlers-Danlos syndrome (PMID: 24922459; Invitae). For these reasons, this variant has been classified as Pathogenic. This variant disrupts the p.Gly957 amino acid residue in COL3A1. Other variant(s) that disrupt this residue have been observed in individuals with COL3A1-related conditions (PMID: 2492273, 24650746), which suggests that this may be a clinically significant amino acid residue. This variant disrupts the triple helix domain of COL3A1. Glycine residues within the Gly-Xaa-Yaa repeats of the triple helix domain are required for the structure and stability of fibrillar collagens (PMID: 7695699, 8218237, 19344236). In COL3A1, variants that affect these glycine residues are significantly enriched in individuals with disease (PMID: 24922459, 25758994) compared to the general population (ExAC). Advanced modeling of protein sequence and biophysical properties (such as structural, functional, and spatial information, amino acid conservation, physicochemical variation, residue mobility, and thermodynamic stability) performed at Invitae indicates that this missense variant is expected to disrupt COL3A1 protein function. ClinVar contains an entry for this variant (Variation ID: 101446). This variant is not present in population databases (gnomAD no frequency). This sequence change replaces glycine, which is neutral and non-polar, with valine, which is neutral and non-polar, at codon 957 of the COL3A1 protein (p.Gly957Val).

Collagen Diagnostic Laboratory, University of Washington
Classification: Pathogenic for Ehlers-Danlos syndrome, type 4. Review status: no assertion criteria provided. Collection method: clinical testing. Allele origin: germline. Affected: yes. Not counted in ClinVar's aggregate classification.

Literature cited by the submitters: PubMed 24922459 (cited by Labcorp Genetics (formerly Invitae), Labcorp); PubMed 2492273 (cited by Labcorp Genetics (formerly Invitae), Labcorp); PubMed 24650746 (cited by Labcorp Genetics (formerly Invitae), Labcorp); PubMed 7695699 (cited by Labcorp Genetics (formerly Invitae), Labcorp); PubMed 8218237 (cited by Labcorp Genetics (formerly Invitae), Labcorp); PubMed 19344236 (cited by Labcorp Genetics (formerly Invitae), Labcorp); PubMed 25758994 (cited by Labcorp Genetics (formerly Invitae), Labcorp).

NM_000090.4(COL3A1):c.2870G>T (p.Gly957Val)

Gene: COL3A1 (collagen type III alpha 1 chain; plus strand). Cytogenetic location: 2q32.2.
Variant type: single nucleotide variant.
Coding change: c.2870G>T on transcript NM_000090.4 (MANE Select); coding-DNA position 2870, G replaced by T.
Protein change: p.Gly957Val; replaces glycine 957 with valine.
Molecular consequence: missense variant.
Genome position (GRCh38, 1-based): chr2:189,004,303, G>T. VCF-style: chr2-189004303-G-T. GRCh37 (hg19) VCF-style: chr2-189869029-G-T.
Identifiers: ClinVar variation 101446 (VCV000101446.11), dbSNP rs587779654, ClinGen allele CA005782.